The following is an entry in ClinVar:

NM_000252.3(MTM1):c.2T>C (p.Met1Thr)

Gene: MTM1 (myotubularin 1; plus strand). Cytogenetic location: Xq28.
Variant type: single nucleotide variant.
Coding change: c.2T>C on transcript NM_000252.3 (MANE Select); coding-DNA position 2, T replaced by C.
Protein change: p.Met1Thr; changes the start codon (methionine 1).
Molecular consequence: missense variant, initiator codon variant.
Genome position (GRCh38, 1-based): chrX:150,592,616, T>C. VCF-style: chrX-150592616-T-C. GRCh37 (hg19) VCF-style: chrX-149761078-T-C.
Other names: c.2T>C, p.Met1Thr (NM_001376906.1, NM_001376907.1, NM_001376908.1); short protein forms M1T.
Identifiers: ClinVar variation 1966402 (VCV001966402.6), dbSNP rs587783817, ClinGen allele CA415248241.

ClinVar aggregate classification (germline): Pathogenic (1 of 4 stars; one submission).

Conditions:
Severe X-linked myotubular myopathy (CNMX). Also called: MYOTUBULAR MYOPATHY 1; X-linked centronuclear myopathy; Myotubular myopathy, X-linked. Identifiers: Orphanet 596, MedGen C0410203, MONDO:0010683, OMIM 310400.

Submission:

Labcorp Genetics (formerly Invitae), Labcorp
Classification: Pathogenic for Severe X-linked myotubular myopathy. Last evaluated: 2022-06-30. Review status: criteria provided, single submitter. Criteria: Invitae Variant Classification Sherloc (09022015). Collection method: clinical testing. Allele origin: germline.
Comment: For these reasons, this variant has been classified as Pathogenic. Disruption of the initiator codon has been observed in individual(s) with clinical features of MTM1-related conditions (PMID: 11793470, 12522554, 22968136, 30902907). In at least one individual the variant was observed to be de novo. This variant is not present in population databases (gnomAD no frequency). This sequence change affects the initiator methionine of the MTM1 mRNA. The next in-frame methionine is located at codon 96.

Literature cited by the submitters: PubMed 11793470; PubMed 12522554; PubMed 22968136; PubMed 30902907.